The following is an entry in ClinVar:

ClinVar aggregate classification (germline): Uncertain significance (1 of 4 stars; one submission).

Submission:

Labcorp Genetics (formerly Invitae), Labcorp
Classification: Uncertain significance. Last evaluated: 2024-04-25. Review status: criteria provided, single submitter. Criteria: Invitae Variant Classification Sherloc (09022015). Collection method: clinical testing. Allele origin: germline.
Comment: This sequence change replaces asparagine, which is neutral and polar, with isoleucine, which is neutral and non-polar, at codon 1124 of the DIAPH3 protein (p.Asn1124Ile). This variant is not present in population databases (gnomAD no frequency). This variant has not been reported in the literature in individuals affected with DIAPH3-related conditions. ClinVar contains an entry for this variant (Variation ID: 1719701). An algorithm developed to predict the effect of missense changes on protein structure and function (PolyPhen-2) suggests that this variant is likely to be disruptive. In summary, the available evidence is currently insufficient to determine the role of this variant in disease. Therefore, it has been classified as a Variant of Uncertain Significance.

NM_001042517.2(DIAPH3):c.3371A>T (p.Asn1124Ile)

Gene: DIAPH3 (diaphanous related formin 3; minus strand). Cytogenetic location: 13q21.2.
Variant type: single nucleotide variant.
Coding change: c.3371A>T on transcript NM_001042517.2 (MANE Select); coding-DNA position 3371, A replaced by T.
Protein change: p.Asn1124Ile; replaces asparagine 1124 with isoleucine.
Molecular consequence: missense variant.
Genome position (GRCh38, 1-based): chr13:59,666,795, T>A on the plus strand (A>T on the coding strand, the complement: DIAPH3 is on the minus strand). VCF-style: chr13-59666795-T-A. GRCh37 (hg19) VCF-style: chr13-60240929-T-A.
Other names: c.3338A>T, p.Asn1113Ile (NM_001258366.2); c.3233A>T, p.Asn1078Ile (NM_001258367.2); c.3161A>T, p.Asn1054Ile (NM_001258368.2); short protein forms N1054I, N1078I, N1113I, N1124I.
Identifiers: ClinVar variation 1719701 (VCV001719701.5), dbSNP rs2501341716, ClinGen allele CA388325916.